The following is an entry in ClinVar:

ClinVar aggregate classification (germline): Uncertain significance (1 of 4 stars; one submission).

Conditions:
Megalencephaly-polymicrogyria-polydactyly-hydrocephalus syndrome 2 (MPPH2). Also called: MEGALENCEPHALY-POLYMICROGYRIA-POLYDACTYLY-HYDROCEPHALUS SYNDROME 2, SOMATIC. Identifiers: Orphanet 83473, MedGen C4014738, MONDO:0014407, OMIM 615937.

Submission:

Labcorp Genetics (formerly Invitae), Labcorp
Classification: Uncertain significance for Megalencephaly-polymicrogyria-polydactyly-hydrocephalus syndrome 2. Last evaluated: 2025-01-29. Review status: criteria provided, single submitter. Criteria: Invitae Variant Classification Sherloc (09022015). Collection method: clinical testing. Allele origin: germline.
Comment: This sequence change replaces tyrosine, which is neutral and polar, with histidine, which is basic and polar, at codon 49 of the AKT3 protein (p.Tyr49His). This variant is not present in population databases (gnomAD no frequency). This variant has not been reported in the literature in individuals affected with AKT3-related conditions. Invitae Evidence Modeling of protein sequence and biophysical properties (such as structural, functional, and spatial information, amino acid conservation, physicochemical variation, residue mobility, and thermodynamic stability) indicates that this missense variant is not expected to disrupt AKT3 protein function with a negative predictive value of 95%. In summary, the available evidence is currently insufficient to determine the role of this variant in disease. Therefore, it has been classified as a Variant of Uncertain Significance.

NM_005465.7(AKT3):c.145T>C (p.Tyr49His)

Gene: AKT3 (AKT serine/threonine kinase 3; minus strand). Cytogenetic location: 1q44.
Variant type: single nucleotide variant.
Coding change: c.145T>C on transcript NM_005465.7 (MANE Select); coding-DNA position 145, T replaced by C.
Protein change: p.Tyr49His; replaces tyrosine 49 with histidine.
Molecular consequence: missense variant.
Genome position (GRCh38, 1-based): chr1:243,695,618, A>G on the plus strand (T>C on the coding strand, the complement: AKT3 is on the minus strand). VCF-style: chr1-243695618-A-G. GRCh37 (hg19) VCF-style: chr1-243858920-A-G.
Other names: c.145T>C, p.Tyr49His (NM_001206729.2, NM_001370074.1, NM_181690.2); short protein forms Y49H.
Identifiers: ClinVar variation 3633857 (VCV003633857.2).